The following is an entry in ClinVar:

ClinVar aggregate classification (germline): Pathogenic (1 of 4 stars; one submission).

Submission:

Labcorp Genetics (formerly Invitae), Labcorp
Classification: Pathogenic. Last evaluated: 2025-03-05. Review status: criteria provided, single submitter. Criteria: Invitae Variant Classification Sherloc (09022015). Collection method: clinical testing. Allele origin: germline.
Comment: This sequence change creates a premature translational stop signal (p.Gln142*) in the KIF11 gene. It is expected to result in an absent or disrupted protein product. Loss-of-function variants in KIF11 are known to be pathogenic (PMID: 22284827, 24281367). This variant is not present in population databases (gnomAD no frequency). This variant has not been reported in the literature in individuals affected with KIF11-related conditions. Algorithms developed to predict the effect of sequence changes on RNA splicing suggest that this variant may disrupt the consensus splice site. For these reasons, this variant has been classified as Pathogenic.

Literature cited by the submitters: PubMed 22284827; PubMed 24281367.

NM_004523.4(KIF11):c.424C>T (p.Gln142Ter)

Gene: KIF11 (kinesin family member 11; plus strand). Cytogenetic location: 10q23.33.
Variant type: single nucleotide variant.
Coding change: c.424C>T on transcript NM_004523.4 (MANE Select); coding-DNA position 424, C replaced by T.
Protein change: p.Gln142Ter; replaces glutamine 142 with a stop codon.
Molecular consequence: nonsense.
Genome position (GRCh38, 1-based): chr10:92,609,056, C>T. VCF-style: chr10-92609056-C-T. GRCh37 (hg19) VCF-style: chr10-94368813-C-T.
Other names: short protein forms Q142*.
Identifiers: ClinVar variation 4714418 (VCV004714418.1).